The following is an entry in ClinVar:

ClinVar aggregate classification (germline): Uncertain significance (1 of 4 stars; one submission).

Submission:

Women's Health and Genetics/Laboratory Corporation of America, LabCorp
Classification: Uncertain significance. Last evaluated: 2025-03-11. Review status: criteria provided, single submitter. Criteria: LabCorp Variant Classification Summary - May 2015. Collection method: clinical testing. Allele origin: germline.
Comment: Variant summary: The variant involves the duplication of exons 9-15 in the CFTR gene. A presumed nomenclature of c.(1116+1_1117-1)_(2619+1_2620-1)dup has been designated for the purposes of this classification. It is assumed to be a tandem duplication in direct orientation (PMIDs: 25640679, 30054569). This Copy Number Variant (CNV) is predicted to result in an in-frame duplication within this gene. The variant was absent in 21674 control chromosomes. The available data on variant occurrences in the general population are insufficient to allow any conclusion about variant significance. To our knowledge, no occurrence of c.(1116+1_1117-1)_(2619+1_2620-1)dup in individuals affected with Cystic Fibrosis and no experimental evidence demonstrating its impact on protein function have been reported. No submitters have cited clinical-significance assessments for this variant to ClinVar. Based on the evidence outlined above, the variant was classified as uncertain significance.

NC_000007.13:g.(117180401_117182069)_(117235113_117242879)dup

Gene: CFTR (CF transmembrane conductance regulator; plus strand). Cytogenetic location: 7q31.2.
Variant type: Duplication.
Identifiers: ClinVar variation 3895718 (VCV003895718.1).